The following is an entry in ClinVar:

ClinVar aggregate classification (germline): Benign/Likely benign. Review status: criteria provided, multiple submitters, no conflicts (2 of 4 stars). 3 submissions from 2 submitters: Benign (1); Likely benign (2). Last evaluated 2018-01-13.

Conditions:
Retinitis pigmentosa (RP). Identifiers: Orphanet 791, MedGen C0035334, MeSH D012174, MONDO:0019200, OMIM 268000. Inheritance: Autosomal dominant, autosomal recessive and X linked inheritance.
Congenital stationary night blindness autosomal dominant 2. Also called: NIGHT BLINDNESS, CONGENITAL STATIONARY, RAMBUSCH TYPE. Identifiers: Orphanet 215, MedGen C1876182, MONDO:0008099, OMIM 163500.

Allele frequency attached by ClinVar (database versions not stated): gnomAD 0.00001 and 0.00093; TOPMed 0.00020; gnomAD exomes 0.00164 and 0.00343; ExAC 0.00401; 1000 Genomes Project 30x 0.00843; 1000 Genomes Project 0.00859.
gnomAD v4.1: 2,526 of 1,609,744 alleles (0.16%); highest among the groups gnomAD compares: South Asian, 2.6%; 68 homozygotes.

Submissions (3):

Illumina Laboratory Services, Illumina
Classification: Likely benign for Retinitis pigmentosa. Last evaluated: 2018-01-13. Review status: criteria provided, single submitter. Criteria: ICSL Variant Classification Criteria 13 December 2019. Collection method: clinical testing. Allele origin: germline.
Comment: This variant was observed in the ICSL laboratory as part of a predisposition screen in an ostensibly healthy population. It had not been previously curated by ICSL or reported in the Human Gene Mutation Database (HGMD: prior to June 1st, 2018), and was therefore a candidate for classification through an automated scoring system. Utilizing variant allele frequency, disease prevalence and penetrance estimates, and inheritance mode, an automated score was calculated to assess if this variant is too frequent to cause the disease. Based on the score and internal cut-off values, a variant classified as likely benign is not then subjected to further curation. The score for this variant resulted in a classification of likely benign for this disease.

Illumina Laboratory Services, Illumina
Classification: Benign for Congenital stationary night blindness autosomal dominant 2. Last evaluated: 2018-01-13. Review status: criteria provided, single submitter. Criteria: ICSL Variant Classification Criteria 13 December 2019. Collection method: clinical testing. Allele origin: germline.
Comment: This variant was observed in the ICSL laboratory as part of a predisposition screen in an ostensibly healthy population. It had not been previously curated by ICSL or reported in the Human Gene Mutation Database (HGMD: prior to June 1st, 2018), and was therefore a candidate for classification through an automated scoring system. Utilizing variant allele frequency, disease prevalence and penetrance estimates, and inheritance mode, an automated score was calculated to assess if this variant is too frequent to cause the disease. Based on the score and internal cut-off values, a variant classified as benign is not then subjected to further curation. The score for this variant resulted in a classification of benign for this disease.

Breakthrough Genomics
Classification: Likely benign. Review status: criteria provided, single submitter. Criteria: ACMG Guidelines, 2015. Collection method: not provided. Allele origin: germline. Inheritance: Autosomal recessive inheritance. Affected: yes.

NM_000283.4(PDE6B):c.*21C>T

Gene: PDE6B (phosphodiesterase 6B; plus strand). Cytogenetic location: 4p16.3.
Variant type: single nucleotide variant.
Coding change: c.*21C>T on transcript NM_000283.4 (MANE Select); 21 bases downstream of the stop codon, C replaced by T.
Molecular consequence: 3 prime UTR variant. On other transcripts: synonymous variant (2).
Genome position (GRCh38, 1-based): chr4:670,128, C>T. VCF-style: chr4-670128-C-T. GRCh37 (hg19) VCF-style: chr4-663917-C-T.
Other names: c.*21C>T (NM_001145291.2, NM_001145292.2, NM_001379246.1 and 1 more transcripts); c.1684C>T, p.Leu562= (NM_001350154.3); c.1366C>T, p.Leu456= (NM_001350155.3).
Identifiers: ClinVar variation 349402 (VCV000349402.6), dbSNP rs371005251, ClinGen allele CA2795120.
Genomic context (GRCh38, chr4:670,128, plus strand): 5'-CGGCCCAGCACCCAAGTCTTCAACCTGCTGTATCCTGTGAGCACTGGTCCCATGGGGACC[C>T]TATGGCTCCCTCAATCTTCACCCACTAGGATTTGGGTTCTGCCTGTGGCTATTTGCTACA-3'